The following is an entry in ClinVar:

ClinVar aggregate classification (germline): Pathogenic (1 of 4 stars; one submission).

Conditions:
Bloom syndrome (BLM). Also called: Bloom-Torre-Machacek syndrome. Identifiers: Orphanet 125, MedGen C0005859, MONDO:0008876, OMIM 210900.

Submission:

Labcorp Genetics (formerly Invitae), Labcorp
Classification: Pathogenic for Bloom syndrome. Last evaluated: 2022-11-16. Review status: criteria provided, single submitter. Criteria: Invitae Variant Classification Sherloc (09022015). Collection method: clinical testing. Allele origin: germline.
Comment: For these reasons, this variant has been classified as Pathogenic. ClinVar contains an entry for this variant (Variation ID: 665277). This variant has not been reported in the literature in individuals affected with BLM-related conditions. This variant is not present in population databases (gnomAD no frequency). This sequence change creates a premature translational stop signal (p.Glu516*) in the BLM gene. It is expected to result in an absent or disrupted protein product. Loss-of-function variants in BLM are known to be pathogenic (PMID: 17407155).

Literature cited by the submitters: PubMed 17407155.

NM_000057.4(BLM):c.1546G>T (p.Glu516Ter)

Gene: BLM (BLM RecQ like helicase; plus strand). Cytogenetic location: 15q26.1.
Variant type: single nucleotide variant.
Coding change: c.1546G>T on transcript NM_000057.4 (MANE Select); coding-DNA position 1546, G replaced by T.
Protein change: p.Glu516Ter; replaces glutamic acid 516 with a stop codon.
Molecular consequence: nonsense.
Genome position (GRCh38, 1-based): chr15:90,760,919, G>T. VCF-style: chr15-90760919-G-T. GRCh37 (hg19) VCF-style: chr15-91304149-G-T.
Other names: c.1546G>T, p.Glu516Ter (NM_001287246.2, NM_001287247.2); c.421G>T, p.Glu141Ter (NM_001287248.2); short protein forms E141*, E516*.
Identifiers: ClinVar variation 665277 (VCV000665277.7), dbSNP rs1596230118, ClinGen allele CA393843295.